The following is an entry in ClinVar:

NM_014363.6(SACS):c.6362C>T (p.Ala2121Val)

Gene: SACS (sacsin molecular chaperone; minus strand). Cytogenetic location: 13q12.12.
Variant type: single nucleotide variant.
Coding change: c.6362C>T on transcript NM_014363.6 (MANE Select); coding-DNA position 6362, C replaced by T.
Protein change: p.Ala2121Val; replaces alanine 2121 with valine.
Molecular consequence: missense variant.
Genome position (GRCh38, 1-based): chr13:23,337,514, G>A on the plus strand (C>T on the coding strand, the complement: SACS is on the minus strand). VCF-style: chr13-23337514-G-A. GRCh37 (hg19) VCF-style: chr13-23911653-G-A.
Other names: c.5921C>T, p.Ala1974Val (NM_001278055.2); c.6362C>T (NM_014363.4); short protein forms A1974V, A2121V.
Identifiers: ClinVar variation 2138129 (VCV002138129.2), dbSNP rs1351288033, ClinGen allele CA387522157.

ClinVar aggregate classification (germline): Uncertain significance. Review status: criteria provided, multiple submitters, no conflicts (2 of 4 stars). 2 submissions from 2 submitters: Uncertain significance (2). Last evaluated 2025-08-01.

Conditions:
Inborn genetic diseases. Identifiers: MedGen C0950123, MeSH D030342.
Spastic paraplegia. Identifiers: MedGen C0037772, HP:0001258.

Allele frequency attached by ClinVar (database versions not stated): TOPMed below 0.00001; gnomAD 0.00001; gnomAD exomes 0.00001.
gnomAD v4.1: 15 of 1,613,784 alleles (0.00093%); highest among the groups gnomAD compares: African/African-American, 0.0013%; no homozygotes.

Submissions (2):

Ambry Genetics
Classification: Uncertain significance for Inborn genetic diseases. Last evaluated: 2025-08-01. Review status: criteria provided, single submitter. Criteria: Ambry Variant Classification Scheme 2023. Collection method: clinical testing. Allele origin: germline.

Labcorp Genetics (formerly Invitae), Labcorp
Classification: Uncertain significance for Spastic paraplegia. Last evaluated: 2022-09-27. Review status: criteria provided, single submitter. Criteria: Invitae Variant Classification Sherloc (09022015). Collection method: clinical testing. Allele origin: germline.
Comment: This sequence change replaces alanine, which is neutral and non-polar, with valine, which is neutral and non-polar, at codon 2121 of the SACS protein (p.Ala2121Val). This variant is present in population databases (no rsID available, gnomAD 0.0009%). This variant has not been reported in the literature in individuals affected with SACS-related conditions. Advanced modeling of protein sequence and biophysical properties (such as structural, functional, and spatial information, amino acid conservation, physicochemical variation, residue mobility, and thermodynamic stability) performed at Invitae indicates that this missense variant is not expected to disrupt SACS protein function. In summary, the available evidence is currently insufficient to determine the role of this variant in disease. Therefore, it has been classified as a Variant of Uncertain Significance.